The following is an entry in ClinVar:

ClinVar aggregate classification (germline): Uncertain significance (1 of 4 stars; one submission).

gnomAD v4.1: 1 of 1,195,708 alleles (0.000084%); highest among the groups gnomAD compares: Non-Finnish European, 0.00011%; no homozygotes.

Submission:

GeneDx
Classification: Uncertain significance. Last evaluated: 2026-02-19. Review status: criteria provided, single submitter. Criteria: GeneDx Variant Classification Process June 2021. Collection method: clinical testing. Allele origin: germline.
Comment: Not observed at significant frequency in large population cohorts (gnomAD); In silico analysis suggests that this missense variant does not alter protein structure/function; Has not been previously published as pathogenic or benign to our knowledge

NM_012280.4(FTSJ1):c.283C>A (p.Leu95Met)

Gene: FTSJ1 (FtsJ RNA 2'-O-methyltransferase 1; plus strand). Cytogenetic location: Xp11.23.
Variant type: single nucleotide variant.
Coding change: c.283C>A on transcript NM_012280.4 (MANE Select); coding-DNA position 283, C replaced by A.
Protein change: p.Leu95Met; replaces leucine 95 with methionine.
Molecular consequence: missense variant. On other transcripts: 5 prime UTR variant (1).
Genome position (GRCh38, 1-based): chrX:48,479,038, C>A. VCF-style: chrX-48479038-C-A. GRCh37 (hg19) VCF-style: chrX-48337426-C-A.
Other names: c.-76C>A (NM_001282157.2); c.283C>A, p.Leu95Met (NM_001441195.1, NM_001441196.1, NM_001441197.1 and 4 more transcripts); short protein forms L95M.
Identifiers: ClinVar variation 5009441 (VCV005009441.1).
Genomic context (GRCh38, chrX:48,479,038, plus strand): 5'-GCGGGATCTGAGGGCAGCAGTGGAGGGCCGTGGGGCCACTCATCCTCCCTCTCTCCATAG[C>A]TGTCCACTGCCAAGGAGATCATCCAGCACTTTAAGGGCTGCCCTGCGGACCTAGTGGTGT-3'
Protein context (NP_036412.1, residues 85-105): VVQIQGDITQ[Leu95Met]STAKEIIQHF